The following is an entry in ClinVar:

ClinVar aggregate classification (germline): Uncertain significance (1 of 4 stars; one submission).

Allele frequency attached by ClinVar (database versions not stated): gnomAD 0.00001; gnomAD exomes 0.00001; TOPMed 0.00001; ExAC 0.00002.
gnomAD v4.1: 13 of 1,614,048 alleles (0.00081%); highest among the groups gnomAD compares: East Asian, 0.016%; no homozygotes.

Submission:

Labcorp Genetics (formerly Invitae), Labcorp
Classification: Uncertain significance. Last evaluated: 2022-06-07. Review status: criteria provided, single submitter. Criteria: Invitae Variant Classification Sherloc (09022015). Collection method: clinical testing. Allele origin: germline.
Comment: In summary, the available evidence is currently insufficient to determine the role of this variant in disease. Therefore, it has been classified as a Variant of Uncertain Significance. This sequence change replaces glutamic acid, which is acidic and polar, with lysine, which is basic and polar, at codon 180 of the LONP1 protein (p.Glu180Lys). This variant is present in population databases (rs745948000, gnomAD 0.006%). This variant has not been reported in the literature in individuals affected with LONP1-related conditions. ClinVar contains an entry for this variant (Variation ID: 1496707). Algorithms developed to predict the effect of missense changes on protein structure and function (SIFT, PolyPhen-2, Align-GVGD) all suggest that this variant is likely to be tolerated.

NM_004793.4(LONP1):c.538G>A (p.Glu180Lys)

Gene: LONP1 (lon peptidase 1, mitochondrial; minus strand). Cytogenetic location: 19p13.3.
Variant type: single nucleotide variant.
Coding change: c.538G>A on transcript NM_004793.4 (MANE Select); coding-DNA position 538, G replaced by A.
Protein change: p.Glu180Lys; replaces glutamic acid 180 with lysine.
Molecular consequence: missense variant. On other transcripts: 5 prime UTR variant (1), non-coding transcript variant (1).
Genome position (GRCh38, 1-based): chr19:5,713,234, C>T on the plus strand (G>A on the coding strand, the complement: LONP1 is on the minus strand). VCF-style: chr19-5713234-C-T. GRCh37 (hg19) VCF-style: chr19-5713245-C-T.
Other names: c.346G>A, p.Glu116Lys (NM_001276479.2); c.-51G>A (NM_001276480.1); short protein forms E180K, E116K.
Identifiers: ClinVar variation 1496707 (VCV001496707.8), dbSNP rs745948000, ClinGen allele CA9115076.